The following is an entry in ClinVar:

ClinVar aggregate classification (germline): Conflicting classifications of pathogenicity. Review status: criteria provided, conflicting classifications (1 of 4 stars). 3 submissions from 3 submitters: Uncertain significance (2); Likely benign (1). Last evaluated 2026-04-25.

Conditions:
FLNC-related disorder. Also called: FLNC-related disorders; FLNC-related condition.
Cardiovascular phenotype. Identifiers: MedGen CN230736.
Hypertrophic cardiomyopathy 26. Also called: Cardiomyopathy, familial hypertrophic, 26. Identifiers: Orphanet 75249, MedGen C4310749, MONDO:0014883, OMIM 617047.
Distal myopathy with posterior leg and anterior hand involvement. Also called: WILLIAMS DISTAL MYOPATHY. Identifiers: Orphanet 63273, MedGen C3279722, MONDO:0013550, OMIM 614065.
Myofibrillar myopathy 5. Also called: Filaminopathy (type); FILAMINOPATHY, AUTOSOMAL DOMINANT. Identifiers: Orphanet 171445, MedGen C1836050, MONDO:0012289, OMIM 609524.

Allele frequency attached by ClinVar (database versions not stated): gnomAD exomes below 0.00001; TOPMed below 0.00001; ExAC 0.00002; gnomAD 0.00002.
gnomAD v4.1: 9 of 1,613,866 alleles (0.00056%); highest among the groups gnomAD compares: African/African-American, 0.0027%; no homozygotes.

Submissions (3):

PreventionGenetics, part of Exact Sciences
Classification: Uncertain significance for FLNC-related condition. Last evaluated: 2026-04-25. Review status: criteria provided, single submitter. Criteria: ACMG Guidelines, 2015. Collection method: clinical testing. Allele origin: germline.
Comment: The FLNC c.2736C>T variant is not predicted to result in an amino acid change (p.=). This variant is predicted to impact splicing based on splicing prediction programs (SpliceAI, Jaganathan K, et al. 2019. PubMed ID: 30661751). However, the use of computer prediction programs is not equivalent to functional evidence. To our knowledge, this variant has not been reported in the literature. This variant is reported in 0.0033% of alleles in individuals of South Asian descent in gnomAD and has conflicting interpretations regarding its pathogenicity in ClinVar, ranging from likely benign to uncertain (Variation ID: 539395). At this time, the clinical significance of this variant is uncertain due to the absence of conclusive functional and genetic evidence.

Labcorp Genetics (formerly Invitae), Labcorp
Classification: Likely benign for Distal myopathy with posterior leg and anterior hand involvement; Myofibrillar myopathy 5; Hypertrophic cardiomyopathy 26. Last evaluated: 2025-07-09. Review status: criteria provided, single submitter. Criteria: Invitae Variant Classification Sherloc (09022015). Collection method: clinical testing. Allele origin: germline.

Ambry Genetics
Classification: Uncertain significance for Cardiovascular phenotype. Last evaluated: 2024-03-26. Review status: criteria provided, single submitter. Criteria: Ambry Variant Classification Scheme 2023. Collection method: clinical testing. Allele origin: germline.
Comment: The c.2736C>T variant (also known as p.G912G), located in coding exon 18 of the FLNC gene, results from a C to T substitution at nucleotide position 2736. This nucleotide substitution does not change the glycine at codon 912. This nucleotide position is poorly conserved in available vertebrate species. In silico splice site analysis predicts that this alteration may result in the creation or strengthening of a novel splice donor site. Based on the available evidence, the clinical significance of this alteration remains unclear.

NM_001458.5(FLNC):c.2736C>T (p.Gly912=)

Gene: FLNC (filamin C; plus strand). Cytogenetic location: 7q32.1.
Variant type: single nucleotide variant.
Coding change: c.2736C>T on transcript NM_001458.5 (MANE Select); coding-DNA position 2736, C replaced by T.
Protein change: p.Gly912=; no amino-acid change (glycine 912 retained).
Molecular consequence: synonymous variant.
Genome position (GRCh38, 1-based): chr7:128,843,502, C>T. VCF-style: chr7-128843502-C-T. GRCh37 (hg19) VCF-style: chr7-128483556-C-T.
Other names: c.2736C>T, p.Gly912= (NM_001127487.2).
Identifiers: ClinVar variation 539395 (VCV000539395.11), dbSNP rs768894698, ClinGen allele CA4474832.